The following is an entry in ClinVar:

ClinVar aggregate classification (germline): Uncertain significance (1 of 4 stars; one submission).

Conditions:
Familial thoracic aortic aneurysm and aortic dissection (TAAD). Also called: Thoracic aortic aneurysms and dissections. Identifiers: Orphanet 91387, MedGen C4707243, MONDO:0019625.

Submission:

Color Diagnostics, LLC DBA Color Health
Classification: Uncertain significance for Familial thoracic aortic aneurysm and aortic dissection. Last evaluated: 2024-03-06. Review status: criteria provided, single submitter. Criteria: ACMG Guidelines, 2015. Collection method: clinical testing. Allele origin: germline.
Comment: This missense variant replaces alanine with valine at codon 233 of the ACTA2 protein. Computational prediction tool suggests that this variant may not impact protein structure and function. Splice site prediction tools suggest that this variant may not impact RNA splicing. To our knowledge, functional studies have not been performed for this variant. This variant has not been reported in individuals affected with cardiovascular disorders in the literature. This variant has not been identified in the general population by the Genome Aggregation Database (gnomAD). The available evidence is insufficient to determine the role of this variant in disease conclusively. Therefore, this variant is classified as a Variant of Uncertain Significance.

NM_001613.4(ACTA2):c.698C>T (p.Ala233Val)

Genes: ACTA2 (actin alpha 2, smooth muscle; minus strand), ACTA2-AS1 (ACTA2 antisense RNA 1; plus strand). Cytogenetic location: 10q23.31.
Variant type: single nucleotide variant.
Coding change: c.698C>T on transcript NM_001613.4 (MANE Select); coding-DNA position 698, C replaced by T.
Protein change: p.Ala233Val; replaces alanine 233 with valine.
Molecular consequence: missense variant. On other transcripts: non-coding transcript variant (1).
Genome position (GRCh38, 1-based): chr10:88,939,617, G>A on the plus strand (C>T on the coding strand, the complement: ACTA2 is on the minus strand). VCF-style: chr10-88939617-G-A. GRCh37 (hg19) VCF-style: chr10-90699374-G-A.
Other names: c.698C>T, p.Ala233Val (NM_001141945.3, NM_001320855.2, NM_001406462.1 and 2 more transcripts); c.587C>T, p.Ala196Val (NM_001406466.1); c.569C>T, p.Ala190Val (NM_001406467.1, NM_001406468.1, NM_001406469.1); short protein forms A233V, A190V, A196V.
Identifiers: ClinVar variation 927653 (VCV000927653.6), dbSNP rs1845811306, ClinGen allele CA377511372.